The following is an entry in ClinVar:

NM_001103.4(ACTN2):c.2053A>C (p.Ile685Leu)

Gene: ACTN2 (actinin alpha 2; plus strand). Cytogenetic location: 1q43.
Variant type: single nucleotide variant.
Coding change: c.2053A>C on transcript NM_001103.4 (MANE Select); coding-DNA position 2053, A replaced by C.
Protein change: p.Ile685Leu; replaces isoleucine 685 with leucine.
Molecular consequence: missense variant. On other transcripts: non-coding transcript variant (1).
Genome position (GRCh38, 1-based): chr1:236,755,097, A>C. VCF-style: chr1-236755097-A-C. GRCh37 (hg19) VCF-style: chr1-236918397-A-C.
Other names: c.2053A>C, p.Ile685Leu (NM_001278343.2); c.1429A>C, p.Ile477Leu (NM_001278344.2); c.1303A>C, p.Ile435Leu (NM_001412150.1); short protein forms I435L, I477L, I685L.
Identifiers: ClinVar variation 2929327 (VCV002929327.3), dbSNP rs1175154245, ClinGen allele CA345387558.

ClinVar aggregate classification (germline): Uncertain significance (1 of 4 stars; one submission).

Conditions:
Primary familial hypertrophic cardiomyopathy (HCM). Identifiers: Orphanet 99739, MedGen C0949658, MeSH D024741, MONDO:0024573. Inheritance: Various modes of inheritance.
Dilated cardiomyopathy 1AA (CMD1AA). Also called: CARDIOMYOPATHY, DILATED, 1AA, WITH OR WITHOUT LEFT VENTRICULAR NONCOMPACTION; CARDIOMYOPATHY, FAMILIAL HYPERTROPHIC, 23, WITH OR WITHOUT LEFT VENTRICULAR NONCOMPACTION; Cardiomyopathy, dilated, 1AA, with or without LVNC. Identifiers: Orphanet 154, MedGen C2677338, MONDO:0012808, OMIM 612158.

Submission:

Labcorp Genetics (formerly Invitae), Labcorp
Classification: Uncertain significance for Primary familial hypertrophic cardiomyopathy; Dilated cardiomyopathy 1AA. Last evaluated: 2023-08-09. Review status: criteria provided, single submitter. Criteria: Invitae Variant Classification Sherloc (09022015). Collection method: clinical testing. Allele origin: germline.
Comment: This variant is not present in population databases (gnomAD no frequency). This sequence change replaces isoleucine, which is neutral and non-polar, with leucine, which is neutral and non-polar, at codon 685 of the ACTN2 protein (p.Ile685Leu). This variant has not been reported in the literature in individuals affected with ACTN2-related conditions. In summary, the available evidence is currently insufficient to determine the role of this variant in disease. Therefore, it has been classified as a Variant of Uncertain Significance. Advanced modeling of protein sequence and biophysical properties (such as structural, functional, and spatial information, amino acid conservation, physicochemical variation, residue mobility, and thermodynamic stability) performed at Invitae indicates that this missense variant is not expected to disrupt ACTN2 protein function.